The following is an entry in ClinVar:

ClinVar aggregate classification (germline): Uncertain significance (1 of 4 stars; one submission).

Allele frequency attached by ClinVar (database versions not stated): TOPMed below 0.00001; gnomAD 0.00001.
gnomAD v4.1: 1 of 1,613,338 alleles (0.000062%); highest among the groups gnomAD compares: Non-Finnish European, 0.000085%; no homozygotes.

Submission:

Labcorp Genetics (formerly Invitae), Labcorp
Classification: Uncertain significance. Last evaluated: 2024-01-22. Review status: criteria provided, single submitter. Criteria: Invitae Variant Classification Sherloc (09022015). Collection method: clinical testing. Allele origin: germline.
Comment: This sequence change replaces aspartic acid, which is acidic and polar, with glycine, which is neutral and non-polar, at codon 410 of the CYP7A1 protein (p.Asp410Gly). This variant is not present in population databases (gnomAD no frequency). This variant has not been reported in the literature in individuals affected with CYP7A1-related conditions. Advanced modeling of protein sequence and biophysical properties (such as structural, functional, and spatial information, amino acid conservation, physicochemical variation, residue mobility, and thermodynamic stability) performed at Invitae indicates that this missense variant is expected to disrupt CYP7A1 protein function with a positive predictive value of 80%. In summary, the available evidence is currently insufficient to determine the role of this variant in disease. Therefore, it has been classified as a Variant of Uncertain Significance.

NM_000780.4(CYP7A1):c.1229A>G (p.Asp410Gly)

Genes: CYP7A1 (cytochrome P450 family 7 subfamily A member 1; minus strand), LOC126860400 (BRD4-independent group 4 enhancer GRCh37_chr8:59404317-59405516; plus strand). Cytogenetic location: 8q12.1.
Variant type: single nucleotide variant.
Coding change: c.1229A>G on transcript NM_000780.4 (MANE Select); coding-DNA position 1229, A replaced by G.
Protein change: p.Asp410Gly; replaces aspartic acid 410 with glycine.
Molecular consequence: missense variant.
Genome position (GRCh38, 1-based): chr8:58,491,761, T>C on the plus strand (A>G on the coding strand, the complement: CYP7A1 is on the minus strand). VCF-style: chr8-58491761-T-C. GRCh37 (hg19) VCF-style: chr8-59404320-T-C.
Other names: short protein forms D410G.
Identifiers: ClinVar variation 2776278 (VCV002776278.3), dbSNP rs1231634282, ClinGen allele CA371291682.
Genomic context (GRCh38, chr8:58,491,761, plus strand): 5'-AACTTGAGTCCATTACAATAGAAGGTAGTCTTTGTCTTCCCGTTTTCATCAAGATACCTA[T>C]CATATTTAAAAGTCTGCAATAAAAATACAAAGAAAACCGCCTTTAAGCTAGTTTTAAAGA-3'
Protein context (NP_000771.2, residues 400-420): IYPDPLTFKY[Asp410Gly]RYLDENGKTK